The following is an entry in ClinVar:

ClinVar aggregate classification (germline): Uncertain significance (1 of 4 stars; one submission).

Conditions:
Leukocyte adhesion deficiency type II. Also called: CONGENITAL DISORDER OF GLYCOSYLATION, TYPE IIc; CDG IIc; Congenital disorder of glycosylation type 2C; CDG 2C; Leukocyte adhesion deficiency type 2; Rambam Hasharon syndrome. Identifiers: Orphanet 2968, Orphanet 99843, MedGen C0398739, MONDO:0009953, OMIM 266265.

Allele frequency attached by ClinVar (database versions not stated): gnomAD exomes 0.00002 and 0.00004; gnomAD 0.00003 and 0.00004; ExAC 0.00004; TOPMed 0.00006.
gnomAD v4.1: 30 of 1,611,916 alleles (0.0019%); highest among the groups gnomAD compares: Admixed American, 0.012%; no homozygotes.

Submission:

Labcorp Genetics (formerly Invitae), Labcorp
Classification: Uncertain significance for Leukocyte adhesion deficiency type II. Last evaluated: 2024-10-24. Review status: criteria provided, single submitter. Criteria: Invitae Variant Classification Sherloc (09022015). Collection method: clinical testing. Allele origin: germline.
Comment: This sequence change replaces valine, which is neutral and non-polar, with methionine, which is neutral and non-polar, at codon 312 of the SLC35C1 protein (p.Val312Met). This variant is present in population databases (rs768749954, gnomAD 0.01%). This variant has not been reported in the literature in individuals affected with SLC35C1-related conditions. ClinVar contains an entry for this variant (Variation ID: 1495598). Invitae Evidence Modeling of protein sequence and biophysical properties (such as structural, functional, and spatial information, amino acid conservation, physicochemical variation, residue mobility, and thermodynamic stability) indicates that this missense variant is not expected to disrupt SLC35C1 protein function with a negative predictive value of 80%. In summary, the available evidence is currently insufficient to determine the role of this variant in disease. Therefore, it has been classified as a Variant of Uncertain Significance.

NM_018389.5(SLC35C1):c.934G>A (p.Val312Met)

Gene: SLC35C1 (solute carrier family 35 member C1; plus strand). Cytogenetic location: 11p11.2.
Variant type: single nucleotide variant.
Coding change: c.934G>A on transcript NM_018389.5 (MANE Select); coding-DNA position 934, G replaced by A.
Protein change: p.Val312Met; replaces valine 312 with methionine.
Molecular consequence: missense variant.
Genome position (GRCh38, 1-based): chr11:45,811,174, G>A. VCF-style: chr11-45811174-G-A. GRCh37 (hg19) VCF-style: chr11-45832725-G-A.
Other names: c.895G>A, p.Val299Met (NM_001145265.2, NM_001145266.2); short protein forms V299M, V312M.
Identifiers: ClinVar variation 1495598 (VCV001495598.7), dbSNP rs768749954, ClinGen allele CA5958361.